The following is an entry in ClinVar:

ClinVar aggregate classification (germline): Likely pathogenic (1 of 4 stars; one submission).

Allele frequency attached by ClinVar (database versions not stated): gnomAD exomes below 0.00001.

Submission:

GeneDx
Classification: Likely pathogenic. Last evaluated: 2023-10-24. Review status: criteria provided, single submitter. Criteria: GeneDx Variant Classification Process June 2021. Collection method: clinical testing. Allele origin: germline. Affected: yes.
Comment: Initiation codon variant in a gene for which loss-of-function is a known mechanism of disease; The protein is described as p.Met1?, using a question mark to signify that it is not known if the loss of Met1 means that all protein translation is completely prevented or if an abnormal protein is produced using an alternate Methionine; Has not been previously published as pathogenic or benign to our knowledge; Not observed at significant frequency in large population cohorts (gnomAD); This variant is associated with the following publications: (PMID: 35328080)

NM_173495.3(PTCHD1):c.2T>C (p.Met1Thr)

Gene: PTCHD1 (patched domain containing 1; plus strand). Cytogenetic location: Xp22.11.
Variant type: single nucleotide variant.
Coding change: c.2T>C on transcript NM_173495.3 (MANE Select); coding-DNA position 2, T replaced by C.
Protein change: p.Met1Thr; changes the start codon (methionine 1).
Molecular consequence: missense variant, initiator codon variant.
Genome position (GRCh38, 1-based): chrX:23,334,877, T>C. VCF-style: chrX-23334877-T-C. GRCh37 (hg19) VCF-style: chrX-23352994-T-C.
Other names: short protein forms M1T.
Identifiers: ClinVar variation 424379 (VCV000424379.5), dbSNP rs1064796945, ClinGen allele CA16621346.